The following is an entry in ClinVar:

NM_001003800.2(BICD2):c.517C>G (p.Arg173Gly)

Gene: BICD2 (BICD cargo adaptor 2; minus strand). Cytogenetic location: 9q22.31.
Variant type: single nucleotide variant.
Coding change: c.517C>G on transcript NM_001003800.2 (MANE Select); coding-DNA position 517, C replaced by G.
Protein change: p.Arg173Gly; replaces arginine 173 with glycine.
Molecular consequence: missense variant.
Genome position (GRCh38, 1-based): chr9:92,722,745, G>C on the plus strand (C>G on the coding strand, the complement: BICD2 is on the minus strand). VCF-style: chr9-92722745-G-C. GRCh37 (hg19) VCF-style: chr9-95485027-G-C.
Other names: c.517C>G, p.Arg173Gly (NM_015250.4); short protein forms R173G.
Identifiers: ClinVar variation 3700221 (VCV003700221.2).

ClinVar aggregate classification (germline): Uncertain significance (1 of 4 stars; one submission).

Conditions:
Autosomal dominant childhood-onset proximal spinal muscular atrophy with contractures (SMALED2A). Also called: SPINAL MUSCULAR ATROPHY, LOWER EXTREMITY-PREDOMINANT, 2A, CHILDHOOD ONSET, AUTOSOMAL DOMINANT; Spinal muscular atrophy, lower extremity-predominant, 2A, autosomal dominant. Identifiers: Orphanet 363447, Orphanet 363454, MedGen C4747715, MONDO:0014121, OMIM 615290.

gnomAD v4.1: 2 of 1,614,052 alleles (0.00012%); highest among the groups gnomAD compares: Admixed American, 0.0017%; no homozygotes.

Submission:

Labcorp Genetics (formerly Invitae), Labcorp
Classification: Uncertain significance for Autosomal dominant childhood-onset proximal spinal muscular atrophy with contractures. Last evaluated: 2025-01-06. Review status: criteria provided, single submitter. Criteria: Invitae Variant Classification Sherloc (09022015). Collection method: clinical testing. Allele origin: germline.
Comment: This sequence change replaces arginine, which is basic and polar, with glycine, which is neutral and non-polar, at codon 173 of the BICD2 protein (p.Arg173Gly). This variant is present in population databases (no rsID available, gnomAD 0.007%). This variant has not been reported in the literature in individuals affected with BICD2-related conditions. Invitae Evidence Modeling of protein sequence and biophysical properties (such as structural, functional, and spatial information, amino acid conservation, physicochemical variation, residue mobility, and thermodynamic stability) has been performed for this missense variant. However, the output from this modeling did not meet the statistical confidence thresholds required to predict the impact of this variant on BICD2 protein function. In summary, the available evidence is currently insufficient to determine the role of this variant in disease. Therefore, it has been classified as a Variant of Uncertain Significance.